The following is an entry in ClinVar:

ClinVar aggregate classification (germline): Pathogenic (1 of 4 stars; one submission).

Conditions:
EGFR-related lung cancer (EGFR). Identifiers: MedGen CN130014.

Submission:

Labcorp Genetics (formerly Invitae), Labcorp
Classification: Pathogenic for EGFR-related lung cancer. Last evaluated: 2024-04-27. Review status: criteria provided, single submitter. Criteria: Invitae Variant Classification Sherloc (09022015). Collection method: clinical testing. Allele origin: germline.
Comment: This sequence change creates a premature translational stop signal (p.Trp817*) in the EGFR gene. It is expected to result in an absent or disrupted protein product. Loss-of-function variants in EGFR are known to be pathogenic (PMID: 7630400, 28726809, 29899996). This variant is not present in population databases (gnomAD no frequency). This variant has not been reported in the literature in individuals affected with EGFR-related conditions. For these reasons, this variant has been classified as Pathogenic.

Literature cited by the submitters: PubMed 7630400; PubMed 28726809; PubMed 29899996.

NM_005228.5(EGFR):c.2451G>A (p.Trp817Ter)

Genes: EGFR (epidermal growth factor receptor; plus strand), EGFR-AS1 (EGFR antisense RNA 1; minus strand). Cytogenetic location: 7p11.2.
Variant type: single nucleotide variant.
Coding change: c.2451G>A on transcript NM_005228.5 (MANE Select); coding-DNA position 2451, G replaced by A.
Protein change: p.Trp817Ter; replaces tryptophan 817 with a stop codon.
Molecular consequence: nonsense. On other transcripts: non-coding transcript variant (1).
Genome position (GRCh38, 1-based): chr7:55,181,460, G>A. VCF-style: chr7-55181460-G-A. GRCh37 (hg19) VCF-style: chr7-55249153-G-A.
Other names: c.2316G>A, p.Trp772Ter (NM_001346897.2, NM_001346899.2); c.2451G>A, p.Trp817Ter (NM_001346898.2); c.2292G>A, p.Trp764Ter (NM_001346900.2); c.1650G>A, p.Trp550Ter (NM_001346941.2); short protein forms W550*, W817*, W772*, W764*.
Identifiers: ClinVar variation 3651305 (VCV003651305.2).